The following is an entry in ClinVar:

ClinVar aggregate classification (germline): Uncertain significance (1 of 4 stars; one submission).

Conditions:
Hyperkalemic periodic paralysis. Also called: Gamstorp disease; Familial hyperkalemic periodic paralysis. Identifiers: Orphanet 682, MedGen C0238357, MONDO:0008224, OMIM 170500, HP:0007215.

Submission:

Labcorp Genetics (formerly Invitae), Labcorp
Classification: Uncertain significance for Hyperkalemic periodic paralysis. Last evaluated: 2017-10-14. Review status: criteria provided, single submitter. Criteria: Invitae Variant Classification Sherloc (09022015). Collection method: clinical testing. Allele origin: germline.
Comment: This sequence change replaces alanine with serine at codon 340 of the SCN4A protein (p.Ala340Ser). The alanine residue is highly conserved and there is a moderate physicochemical difference between alanine and serine. In summary, the available evidence is currently insufficient to determine the role of this variant in disease. Therefore, it has been classified as a Variant of Uncertain Significance. Algorithms developed to predict the effect of missense changes on protein structure and function (SIFT, PolyPhen-2, Align-GVGD) all suggest that this variant is likely to be tolerated, but these predictions have not been confirmed by published functional studies and their clinical significance is uncertain. This variant has not been reported in the literature in individuals with SCN4A-related disease. This variant is not present in population databases (ExAC no frequency).

NM_000334.4(SCN4A):c.1018G>T (p.Ala340Ser)

Gene: SCN4A (sodium voltage-gated channel alpha subunit 4; minus strand). Cytogenetic location: 17q23.3.
Variant type: single nucleotide variant.
Coding change: c.1018G>T on transcript NM_000334.4 (MANE Select); coding-DNA position 1018, G replaced by T.
Protein change: p.Ala340Ser; replaces alanine 340 with serine.
Molecular consequence: missense variant.
Genome position (GRCh38, 1-based): chr17:63,968,041, C>A on the plus strand (G>T on the coding strand, the complement: SCN4A is on the minus strand). VCF-style: chr17-63968041-C-A. GRCh37 (hg19) VCF-style: chr17-62045401-C-A.
Other names: short protein forms A340S.
Identifiers: ClinVar variation 543815 (VCV000543815.9), dbSNP rs147936148, ClinGen allele CA400637179.